The following is an entry in ClinVar:

ClinVar aggregate classification (germline): Uncertain significance (1 of 4 stars; one submission).

Conditions:
CHARGE syndrome (CHARGE). Also called: Hittner Hirsch Kreh syndrome; CHARGE ASSOCIATION--COLOBOMA, HEART ANOMALY, CHOANAL ATRESIA, RETARDATION, GENITAL AND EAR ANOMALIES; Coloboma, heart anomaly, choanal atresia, retardation, genital and ear anomalies; CHARGE association; Hall-Hittner syndrome. Identifiers: Orphanet 138, MedGen C0265354, MONDO:0008965.

Submission:

Labcorp Genetics (formerly Invitae), Labcorp
Classification: Uncertain significance for CHARGE syndrome. Last evaluated: 2023-08-27. Review status: criteria provided, single submitter. Criteria: Invitae Variant Classification Sherloc (09022015). Collection method: clinical testing. Allele origin: germline.
Comment: In summary, the available evidence is currently insufficient to determine the role of this variant in disease. Therefore, it has been classified as a Variant of Uncertain Significance. Advanced modeling of protein sequence and biophysical properties (such as structural, functional, and spatial information, amino acid conservation, physicochemical variation, residue mobility, and thermodynamic stability) performed at Invitae indicates that this missense variant is not expected to disrupt CHD7 protein function. This variant has not been reported in the literature in individuals affected with CHD7-related conditions. This variant is not present in population databases (gnomAD no frequency). This sequence change replaces proline, which is neutral and non-polar, with alanine, which is neutral and non-polar, at codon 653 of the CHD7 protein (p.Pro653Ala).

NM_017780.4(CHD7):c.1957C>G (p.Pro653Ala)

Genes: CHD7 (chromodomain helicase DNA binding protein 7; plus strand), LOC126860403 (CDK7 strongly-dependent group 2 enhancer GRCh37_chr8:61693034-61694233; plus strand). Cytogenetic location: 8q12.2.
Variant type: single nucleotide variant.
Coding change: c.1957C>G on transcript NM_017780.4 (MANE Select); coding-DNA position 1957, C replaced by G.
Protein change: p.Pro653Ala; replaces proline 653 with alanine.
Molecular consequence: missense variant. On other transcripts: intron variant (1).
Genome position (GRCh38, 1-based): chr8:60,781,291, C>G. VCF-style: chr8-60781291-C-G. GRCh37 (hg19) VCF-style: chr8-61693850-C-G.
Other names: c.1716+241C>G (NM_001316690.1); short protein forms P653A.
Identifiers: ClinVar variation 2889497 (VCV002889497.3), dbSNP rs1483205730, ClinGen allele CA371313194.